The following is an entry in ClinVar:

NM_000426.4(LAMA2):c.9139G>T (p.Glu3047Ter)

Gene: LAMA2 (laminin subunit alpha 2; plus strand). Cytogenetic location: 6q22.33.
Variant type: single nucleotide variant.
Coding change: c.9139G>T on transcript NM_000426.4 (MANE Select); coding-DNA position 9139, G replaced by T.
Protein change: p.Glu3047Ter; replaces glutamic acid 3047 with a stop codon.
Molecular consequence: nonsense.
Genome position (GRCh38, 1-based): chr6:129,514,523, G>T. VCF-style: chr6-129514523-G-T. GRCh37 (hg19) VCF-style: chr6-129835668-G-T.
Other names: c.9127G>T, p.Glu3043Ter (NM_001079823.2); short protein forms E3047*, E3043*.
Identifiers: ClinVar variation 2066714 (VCV002066714.4), dbSNP rs2533599555, ClinGen allele CA365637015.

ClinVar aggregate classification (germline): Pathogenic (1 of 4 stars; one submission).

Conditions:
LAMA2-related muscular dystrophy (LAMA2-RD). Also called: Laminin alpha 2-related dystrophy. Identifiers: MedGen C5679788, MONDO:0100228.

Submission:

Labcorp Genetics (formerly Invitae), Labcorp
Classification: Pathogenic for LAMA2-related muscular dystrophy. Last evaluated: 2025-04-07. Review status: criteria provided, single submitter. Criteria: Invitae Variant Classification Sherloc (09022015). Collection method: clinical testing. Allele origin: germline.
Comment: This sequence change creates a premature translational stop signal (p.Glu3047*) in the LAMA2 gene. It is expected to result in an absent or disrupted protein product. Loss-of-function variants in LAMA2 are known to be pathogenic (PMID: 18700894, 32904964). This variant is not present in population databases (gnomAD no frequency). This variant has not been reported in the literature in individuals affected with LAMA2-related conditions. ClinVar contains an entry for this variant (Variation ID: 2066714). For these reasons, this variant has been classified as Pathogenic.

Literature cited by the submitters: PubMed 18700894; PubMed 32904964.